The following is an entry in ClinVar:

NM_004544.4(NDUFA10):c.706G>A (p.Asp236Asn)

Gene: NDUFA10 (NADH:ubiquinone oxidoreductase subunit A10; minus strand). Cytogenetic location: 2q37.3.
Variant type: single nucleotide variant.
Coding change: c.706G>A on transcript NM_004544.4 (MANE Select); coding-DNA position 706, G replaced by A.
Protein change: p.Asp236Asn; replaces aspartic acid 236 with asparagine.
Molecular consequence: missense variant. On other transcripts: non-coding transcript variant (4).
Genome position (GRCh38, 1-based): chr2:240,011,660, C>T on the plus strand (G>A on the coding strand, the complement: NDUFA10 is on the minus strand). VCF-style: chr2-240011660-C-T. GRCh37 (hg19) VCF-style: chr2-240951077-C-T.
Other names: c.706G>A, p.Asp236Asn (NM_001322019.2, NM_001322020.2); short protein forms D236N.
Identifiers: ClinVar variation 1367085 (VCV001367085.7), dbSNP rs2106481758, ClinGen allele CA351272040.

ClinVar aggregate classification (germline): Uncertain significance (1 of 4 stars; one submission).

Allele frequency attached by ClinVar (database versions not stated): gnomAD exomes 0.00001.
gnomAD v4.1: 11 of 1,613,686 alleles (0.00068%); highest among the groups gnomAD compares: Non-Finnish European, 0.00093%; no homozygotes.

Submission:

Labcorp Genetics (formerly Invitae), Labcorp
Classification: Uncertain significance. Last evaluated: 2025-11-04. Review status: criteria provided, single submitter. Criteria: Invitae Variant Classification Sherloc (09022015). Collection method: clinical testing. Allele origin: germline.
Comment: This sequence change replaces aspartic acid, which is acidic and polar, with asparagine, which is neutral and polar, at codon 236 of the NDUFA10 protein (p.Asp236Asn). This variant is not present in population databases (gnomAD no frequency). This variant has not been reported in the literature in individuals affected with NDUFA10-related conditions. ClinVar contains an entry for this variant (Variation ID: 1367085). Invitae Evidence Modeling of protein sequence and biophysical properties (such as structural, functional, and spatial information, amino acid conservation, physicochemical variation, residue mobility, and thermodynamic stability) indicates that this missense variant is not expected to disrupt NDUFA10 protein function with a negative predictive value of 80%. In summary, the available evidence is currently insufficient to determine the role of this variant in disease. Therefore, it has been classified as a Variant of Uncertain Significance.